The following is an entry in ClinVar:

NM_017636.4(TRPM4):c.965G>A (p.Gly322Glu)

Gene: TRPM4 (transient receptor potential cation channel subfamily M member 4; plus strand). Cytogenetic location: 19q13.33.
Variant type: single nucleotide variant.
Coding change: c.965G>A on transcript NM_017636.4 (MANE Select); coding-DNA position 965, G replaced by A.
Protein change: p.Gly322Glu; replaces glycine 322 with glutamic acid.
Molecular consequence: missense variant. On other transcripts: 5 prime UTR variant (1).
Genome position (GRCh38, 1-based): chr19:49,171,684, G>A. VCF-style: chr19-49171684-G-A. GRCh37 (hg19) VCF-style: chr19-49674941-G-A.
Other names: c.965G>A, p.Gly322Glu (NM_001195227.2); c.620G>A, p.Gly207Glu (NM_001321281.2); c.-589G>A (NM_001321282.2); c.443G>A, p.Gly148Glu (NM_001321283.2); c.116G>A, p.Gly39Glu (NM_001321285.2); short protein forms G322E, G39E, G148E, G207E.
Identifiers: ClinVar variation 1498347 (VCV001498347.11), dbSNP rs865856899, ClinGen allele CA309433544.

ClinVar aggregate classification (germline): Uncertain significance. Review status: criteria provided, multiple submitters, no conflicts (2 of 4 stars). 2 submissions from 2 submitters: Uncertain significance (2). Last evaluated 2025-11-19.

Conditions:
Cardiovascular phenotype. Identifiers: MedGen CN230736.
Progressive familial heart block type IB (PFHB1B). Identifiers: Orphanet 871, MedGen C1970298, MONDO:0011474, OMIM 604559.

Allele frequency attached by ClinVar (database versions not stated): gnomAD exomes 0.00001; TOPMed 0.00002; gnomAD 0.00003 and 0.00004.
gnomAD v4.1: 11 of 1,613,966 alleles (0.00068%); highest among the groups gnomAD compares: Admixed American, 0.0067%; no homozygotes.

Submissions (2):

Labcorp Genetics (formerly Invitae), Labcorp
Classification: Uncertain significance for Progressive familial heart block type IB. Last evaluated: 2025-11-19. Review status: criteria provided, single submitter. Criteria: Invitae Variant Classification Sherloc (09022015). Collection method: clinical testing. Allele origin: germline.
Comment: This sequence change replaces glycine, which is neutral and non-polar, with glutamic acid, which is acidic and polar, at codon 322 of the TRPM4 protein (p.Gly322Glu). This variant is present in population databases (no rsID available, gnomAD 0.007%). This variant has not been reported in the literature in individuals affected with TRPM4-related conditions. ClinVar contains an entry for this variant (Variation ID: 1498347). An algorithm developed to predict the effect of missense changes on protein structure and function (PolyPhen-2) suggests that this variant is likely to be tolerated. In summary, the available evidence is currently insufficient to determine the role of this variant in disease. Therefore, it has been classified as a Variant of Uncertain Significance.

Ambry Genetics
Classification: Uncertain significance for Cardiovascular phenotype. Last evaluated: 2023-04-03. Review status: criteria provided, single submitter. Criteria: Ambry Variant Classification Scheme 2023. Collection method: clinical testing. Allele origin: germline.
Comment: The p.G322E variant (also known as c.965G>A), located in coding exon 8 of the TRPM4 gene, results from a G to A substitution at nucleotide position 965. The glycine at codon 322 is replaced by glutamic acid, an amino acid with similar properties. This amino acid position is well conserved in available vertebrate species; however, glutamic acid is the reference amino acid in other vertebrate species. In addition, this alteration is predicted to be tolerated by in silico analysis. Since supporting evidence is limited at this time, the clinical significance of this alteration remains unclear.